The following is an entry in ClinVar:

ClinVar aggregate classification (germline): Uncertain significance (1 of 4 stars; one submission).

Conditions:
Hypertrophic cardiomyopathy 26. Also called: Cardiomyopathy, familial hypertrophic, 26. Identifiers: Orphanet 75249, MedGen C4310749, MONDO:0014883, OMIM 617047.
Myofibrillar myopathy 5. Also called: Filaminopathy (type); FILAMINOPATHY, AUTOSOMAL DOMINANT. Identifiers: Orphanet 171445, MedGen C1836050, MONDO:0012289, OMIM 609524.
Distal myopathy with posterior leg and anterior hand involvement. Also called: WILLIAMS DISTAL MYOPATHY. Identifiers: Orphanet 63273, MedGen C3279722, MONDO:0013550, OMIM 614065.

Submission:

Labcorp Genetics (formerly Invitae), Labcorp
Classification: Uncertain significance for Distal myopathy with posterior leg and anterior hand involvement; Myofibrillar myopathy 5; Hypertrophic cardiomyopathy 26. Last evaluated: 2023-10-04. Review status: criteria provided, single submitter. Criteria: Invitae Variant Classification Sherloc (09022015). Collection method: clinical testing. Allele origin: germline.
Comment: This sequence change replaces glutamic acid, which is acidic and polar, with glycine, which is neutral and non-polar, at codon 1897 of the FLNC protein (p.Glu1897Gly). This variant is not present in population databases (gnomAD no frequency). This variant has not been reported in the literature in individuals affected with FLNC-related conditions. Advanced modeling of protein sequence and biophysical properties (such as structural, functional, and spatial information, amino acid conservation, physicochemical variation, residue mobility, and thermodynamic stability) has been performed at Invitae for this missense variant, however the output from this modeling did not meet the statistical confidence thresholds required to predict the impact of this variant on FLNC protein function. In summary, the available evidence is currently insufficient to determine the role of this variant in disease. Therefore, it has been classified as a Variant of Uncertain Significance.

NM_001458.5(FLNC):c.5690A>G (p.Glu1897Gly)

Genes: FLNC-AS1 (FLNC antisense RNA 1; minus strand), FLNC (filamin C; plus strand). Cytogenetic location: 7q32.1.
Variant type: single nucleotide variant.
Coding change: c.5690A>G on transcript NM_001458.5 (MANE Select); coding-DNA position 5690, A replaced by G.
Protein change: p.Glu1897Gly; replaces glutamic acid 1897 with glycine.
Molecular consequence: missense variant. On other transcripts: non-coding transcript variant (1).
Genome position (GRCh38, 1-based): chr7:128,851,476, A>G. VCF-style: chr7-128851476-A-G. GRCh37 (hg19) VCF-style: chr7-128491530-A-G.
Other names: c.5591A>G, p.Glu1864Gly (NM_001127487.2); short protein forms E1897G, E1864G.
Identifiers: ClinVar variation 2952493 (VCV002952493.3), dbSNP rs2536656284, ClinGen allele CA369208019.